The following is an entry in ClinVar:

ClinVar aggregate classification (germline): Uncertain significance (1 of 4 stars; one submission).

Conditions:
Hereditary cancer-predisposing syndrome. Also called: Hereditary neoplastic syndrome; Neoplastic Syndromes, Hereditary; Tumor predisposition; Hereditary Cancer Syndrome. Identifiers: Orphanet 140162, MedGen C0027672, MeSH D009386, MONDO:0015356.

Submission:

Ambry Genetics
Classification: Uncertain significance for Hereditary cancer-predisposing syndrome. Last evaluated: 2025-09-01. Review status: criteria provided, single submitter. Criteria: Ambry Variant Classification Scheme 2023. Collection method: clinical testing. Allele origin: germline.
Comment: The p.R167G variant (also known as c.499A>G), located in coding exon 6 of the POLE gene, results from an A to G substitution at nucleotide position 499. The arginine at codon 167 is replaced by glycine, an amino acid with dissimilar properties. This amino acid position is conserved. In addition, this alteration is predicted to be tolerated by in silico analysis. Based on the available evidence, the clinical significance of this variant remains unclear.

NM_006231.4(POLE):c.499A>G (p.Arg167Gly)

Gene: POLE (DNA polymerase epsilon, catalytic subunit; minus strand). Cytogenetic location: 12q24.33.
Variant type: single nucleotide variant.
Coding change: c.499A>G on transcript NM_006231.4 (MANE Select); coding-DNA position 499, A replaced by G.
Protein change: p.Arg167Gly; replaces arginine 167 with glycine.
Molecular consequence: missense variant.
Genome position (GRCh38, 1-based): chr12:132,679,576, T>C on the plus strand (A>G on the coding strand, the complement: POLE is on the minus strand). VCF-style: chr12-132679576-T-C. GRCh37 (hg19) VCF-style: chr12-133256162-T-C.
Other names: short protein forms R167G.
Identifiers: ClinVar variation 4141237 (VCV004141237.1).
Genomic context (GRCh38, chr12:132,679,576, plus strand): 5'-ACGCGTCGCTGGCGTGATCCTGCTCCCTGTTCTTCTTCACGGCAGGGGAGATCTCCTTCC[T>C]CACTTTGACAAGATCCTCCACAGTGTGGAAGGACAGCCTGATGTAATTTCGCTTCAAACC-3'
Protein context (NP_006222.2, residues 157-177): FHTVEDLVKV[Arg167Gly]KEISPAVKKN